The following is an entry in ClinVar:

ClinVar aggregate classification (germline): Conflicting classifications of pathogenicity. Review status: criteria provided, conflicting classifications (1 of 4 stars). 5 submissions from 4 submitters: Uncertain significance (1); Likely benign (3). 1 of the submissions does not count toward it. Last evaluated 2026-01-23.

Conditions:
Frontotemporal dementia and/or amyotrophic lateral sclerosis 6 (FTDALS6). Also called: VCP-Related Amyotrophic Lateral Sclerosis; VCP-Related Amyotrophic Lateral Sclerosis/Frontotemporal Dementia. Identifiers: Orphanet 275872, Orphanet 803, MedGen C5436279, MONDO:0013501, OMIM 613954.
Inclusion body myopathy with Paget disease of bone and frontotemporal dementia. Also called: Inclusion body myopathy with early-onset Paget disease and frontotemporal dementia. Identifiers: Orphanet 52430, MedGen C1833662, MONDO:0000507.
VCP-related disorder. Also called: VCP-related condition; VCP-related disorders.
Inclusion body myopathy with Paget disease of bone and frontotemporal dementia type 1. Also called: Inclusion body myopathy with early-onset Paget disease with or without frontotemporal dementia 1; MULTISYSTEM PROTEINOPATHY 1; Inclusion body myopathy with early-onset Paget disease and frontotemporal dementia 1. Identifiers: MedGen C4551951, MONDO:0008178, OMIM 167320.

Allele frequency attached by ClinVar (database versions not stated): ExAC 0.00002; gnomAD exomes 0.00002 and 0.00003; gnomAD 0.00003; ESP Exome Variant Server 0.00008; TOPMed 0.00003.
gnomAD v4.1: 41 of 1,614,064 alleles (0.0025%); highest among the groups gnomAD compares: Non-Finnish European, 0.0032%; no homozygotes.

Submissions (5):

Labcorp Genetics (formerly Invitae), Labcorp
Classification: Likely benign for Inclusion body myopathy with Paget disease of bone and frontotemporal dementia; Frontotemporal dementia and/or amyotrophic lateral sclerosis 6. Last evaluated: 2026-01-23. Review status: criteria provided, single submitter. Criteria: Invitae Variant Classification Sherloc (09022015). Collection method: clinical testing. Allele origin: germline.

Blueprint Genetics
Classification: Likely benign. Last evaluated: 2024-11-18. Review status: criteria provided, single submitter. Criteria: ACMG Guidelines, 2015. Collection method: clinical testing. Allele origin: germline.

Illumina Laboratory Services, Illumina
Classification: Uncertain significance for Frontotemporal dementia and/or amyotrophic lateral sclerosis 6. Last evaluated: 2018-01-12. Review status: criteria provided, single submitter. Criteria: ICSL Variant Classification Criteria 13 December 2019. Collection method: clinical testing. Allele origin: germline.

Illumina Laboratory Services, Illumina
Classification: Likely benign for Inclusion body myopathy with Paget disease of bone and frontotemporal dementia type 1. Last evaluated: 2018-01-12. Review status: criteria provided, single submitter. Criteria: ICSL Variant Classification Criteria 13 December 2019. Collection method: clinical testing. Allele origin: germline.
Comment: This variant was observed in the ICSL laboratory as part of a predisposition screen in an ostensibly healthy population. It had not been previously curated by ICSL or reported in the Human Gene Mutation Database (HGMD: prior to June 1st, 2018), and was therefore a candidate for classification through an automated scoring system. Utilizing variant allele frequency, disease prevalence and penetrance estimates, and inheritance mode, an automated score was calculated to assess if this variant is too frequent to cause the disease. Based on the score and internal cut-off values, a variant classified as likely benign is not then subjected to further curation. The score for this variant resulted in a classification of likely benign for this disease.

PreventionGenetics, part of Exact Sciences
Classification: Benign for VCP-related condition. Last evaluated: 2024-02-22. Review status: no assertion criteria provided. Collection method: clinical testing. Allele origin: germline. Not counted in ClinVar's aggregate classification.
Comment: This variant is classified as benign based on ACMG/AMP sequence variant interpretation guidelines (Richards et al. 2015 PMID: 25741868, with internal and published modifications).

NM_007126.5(VCP):c.384T>C (p.Gly128=)

Gene: VCP (valosin containing protein; minus strand). Cytogenetic location: 9p13.3.
Variant type: single nucleotide variant.
Coding change: c.384T>C on transcript NM_007126.5 (MANE Select); coding-DNA position 384, T replaced by C.
Protein change: p.Gly128=; no amino-acid change (glycine 128 retained).
Molecular consequence: synonymous variant.
Genome position (GRCh38, 1-based): chr9:35,066,736, A>G on the plus strand (T>C on the coding strand, the complement: VCP is on the minus strand). VCF-style: chr9-35066736-A-G. GRCh37 (hg19) VCF-style: chr9-35066733-A-G.
Other names: c.249T>C, p.Gly83= (NM_001354927.2, NM_001354928.2).
Identifiers: ClinVar variation 914193 (VCV000914193.14), dbSNP rs367703031, ClinGen allele CA5039492.
Genomic context (GRCh38, chr9:35,066,736, plus strand): 5'-TTTCCGGATGGGTCGATACGCTTCCAGGAAGTACGGCTTAAGGTATACCTCGAAGAGATT[A>G]CCAGTAATGCCTTCCACTGTGTCATCAATGGGCAGCACATGGATACGTTTGCCGTACTTC-3'
Protein context (NP_009057.1, residues 118-138): PIDDTVEGIT[Gly128=]NLFEVYLKPY